The following is an entry in ClinVar:

NM_015215.4(CAMTA1):c.4864A>T (p.Ile1622Phe)

Gene: CAMTA1 (calmodulin binding transcription activator 1; plus strand). Cytogenetic location: 1p36.23.
Variant type: single nucleotide variant.
Coding change: c.4864A>T on transcript NM_015215.4 (MANE Select); coding-DNA position 4864, A replaced by T.
Protein change: p.Ile1622Phe; replaces isoleucine 1622 with phenylalanine.
Molecular consequence: missense variant.
Genome position (GRCh38, 1-based): chr1:7,751,373, A>T. VCF-style: chr1-7751373-A-T. GRCh37 (hg19) VCF-style: chr1-7811433-A-T.
Other names: c.4774A>T, p.Ile1592Phe (NM_001349608.2); c.4546A>T, p.Ile1516Phe (NM_001349609.2, NM_001349610.2); c.4456A>T, p.Ile1486Phe (NM_001349612.2); c.1993A>T, p.Ile665Phe (NM_001349613.1); c.1957A>T, p.Ile653Phe (NM_001349614.1, NM_001349615.2, NM_001349616.2); c.1936A>T, p.Ile646Phe (NM_001349617.1, NM_001349618.2); c.1618A>T, p.Ile540Phe (NM_001349619.2, NM_001349620.1, NM_001349621.1 and 1 more transcripts); c.1597A>T, p.Ile533Phe (NM_001349623.1, NM_001349624.3, NM_001349625.2 and 1 more transcripts); and 2 more; short protein forms I1592F, I1622F, I665F, I1509F, I653F, I1485F, I533F, I1486F.
Identifiers: ClinVar variation 2692518 (VCV002692518.1), dbSNP rs2523702196, ClinGen allele CA338144679.
Genomic context (GRCh38, chr1:7,751,373, plus strand): 5'-AAGTACTACCGAAGTTATAAGAAATGTGGCAAAAGACGGCAGGCTCGCCGGACGGCTGTG[A>T]TTGTACAACAGAAACTCAGGTGGGTGGAGAAGAGCTCATGGAGGTAAAGCTCCCTAGGGA-3'
Protein context (NP_056030.1, residues 1612-1632): KRRQARRTAV[Ile1622Phe]VQQKLRSSLL

ClinVar aggregate classification (germline): Uncertain significance (1 of 4 stars; one submission).

Submission:

Greenwood Genetic Center Diagnostic Laboratories, Greenwood Genetic Center
Classification: Uncertain significance. Last evaluated: 2023-12-20. Review status: criteria provided, single submitter. Criteria: ACMG Guidelines, 2015. Collection method: clinical testing. Allele origin: germline. Affected: yes.
Comment: PM2, PP2